The following is an entry in ClinVar:

ClinVar aggregate classification (germline): Uncertain significance. Review status: criteria provided, multiple submitters, no conflicts (2 of 4 stars). 6 submissions from 6 submitters: Uncertain significance (6). Last evaluated 2025-12-15.

Conditions:
Aicardi-Goutieres syndrome 4. Identifiers: Orphanet 51, MedGen C1835912, MONDO:0012472, OMIM 610333.
Inborn genetic diseases. Identifiers: MedGen C0950123, MeSH D030342.

Allele frequency attached by ClinVar (database versions not stated): gnomAD 0.00005 and 0.00011; gnomAD exomes 0.00005 and 0.00010; TOPMed 0.00005; ExAC 0.00010; 1000 Genomes Project 30x 0.00109; 1000 Genomes Project 0.00140.
gnomAD v4.1: 102 of 1,614,144 alleles (0.0063%); highest among the groups gnomAD compares: East Asian, 0.065%; no homozygotes.

Submissions (6):

Ambry Genetics
Classification: Uncertain significance for Inborn genetic diseases. Last evaluated: 2025-12-15. Review status: criteria provided, single submitter. Criteria: Ambry Variant Classification Scheme 2023. Collection method: clinical testing. Allele origin: germline.
Comment: The c.568G>A (p.V190M) alteration is located in exon 6 (coding exon 6) of the RNASEH2A gene. This alteration results from a G to A substitution at nucleotide position 568, causing the valine (V) at amino acid position 190 to be replaced by a methionine (M). Based on data from gnomAD, the A allele has an overall frequency of 0.009% (25/282860) total alleles studied. The highest observed frequency was 0.085% (17/19948) of East Asian alleles. Based on insufficient or conflicting evidence, the clinical significance of this alteration remains unclear.

Genesolutions, Medical Genetics Institutes, Ho Chi Minh City, Vietnam
Classification: Uncertain significance for Aicardi-Goutieres syndrome 4. Last evaluated: 2025-09-24. Review status: criteria provided, single submitter. Criteria: ACMG Guidelines, 2015. Collection method: clinical testing. Allele origin: germline. Affected: yes.

Blueprint Genetics
Classification: Uncertain significance. Last evaluated: 2024-11-21. Review status: criteria provided, single submitter. Criteria: ACMG Guidelines, 2015. Collection method: clinical testing. Allele origin: germline.

Labcorp Genetics (formerly Invitae), Labcorp
Classification: Uncertain significance for Aicardi-Goutieres syndrome 4. Last evaluated: 2022-10-17. Review status: criteria provided, single submitter. Criteria: Invitae Variant Classification Sherloc (09022015). Collection method: clinical testing. Allele origin: germline.
Comment: This sequence change replaces valine, which is neutral and non-polar, with methionine, which is neutral and non-polar, at codon 190 of the RNASEH2A protein (p.Val190Met). This variant is present in population databases (rs370225385, gnomAD 0.06%). This variant has not been reported in the literature in individuals affected with RNASEH2A-related conditions. ClinVar contains an entry for this variant (Variation ID: 328290). Advanced modeling of protein sequence and biophysical properties (such as structural, functional, and spatial information, amino acid conservation, physicochemical variation, residue mobility, and thermodynamic stability) performed at Invitae indicates that this missense variant is not expected to disrupt RNASEH2A protein function. In summary, the available evidence is currently insufficient to determine the role of this variant in disease. Therefore, it has been classified as a Variant of Uncertain Significance.

Fulgent Genetics
Classification: Uncertain significance for Aicardi-Goutieres syndrome 4. Last evaluated: 2021-07-08. Review status: criteria provided, single submitter. Criteria: ACMG Guidelines, 2015. Collection method: clinical testing. Allele origin: unknown.

Illumina Laboratory Services, Illumina
Classification: Uncertain significance for Aicardi-Goutieres syndrome 4. Last evaluated: 2018-01-13. Review status: criteria provided, single submitter. Criteria: ICSL Variant Classification Criteria 13 December 2019. Collection method: clinical testing. Allele origin: germline.

NM_006397.3(RNASEH2A):c.568G>A (p.Val190Met)

Gene: RNASEH2A (ribonuclease H2 subunit A; plus strand). Cytogenetic location: 19p13.13.
Variant type: single nucleotide variant.
Coding change: c.568G>A on transcript NM_006397.3 (MANE Select); coding-DNA position 568, G replaced by A.
Protein change: p.Val190Met; replaces valine 190 with methionine.
Molecular consequence: missense variant.
Genome position (GRCh38, 1-based): chr19:12,810,335, G>A. VCF-style: chr19-12810335-G-A. GRCh37 (hg19) VCF-style: chr19-12921149-G-A.
Other names: short protein forms V190M.
Identifiers: ClinVar variation 328290 (VCV000328290.14), dbSNP rs370225385, ClinGen allele CA9231960.